The following is an entry in ClinVar:

ClinVar aggregate classification (germline): Uncertain significance (1 of 4 stars; one submission).

Allele frequency attached by ClinVar (database versions not stated): ExAC 0.00034; gnomAD exomes 0.00058 and 0.00120; TOPMed 0.00067; gnomAD 0.00072 and 0.00076.
gnomAD v4.1: 1,734 of 1,536,630 alleles (0.11%); highest among the groups gnomAD compares: Non-Finnish European, 0.14%; 1 homozygote.

Submission:

Labcorp Genetics (formerly Invitae), Labcorp
Classification: Uncertain significance. Last evaluated: 2025-09-02. Review status: criteria provided, single submitter. Criteria: Invitae Variant Classification Sherloc (09022015). Collection method: clinical testing. Allele origin: germline.
Comment: The FMN1 gene has multiple clinically relevant transcripts. This variant occurs in alternate transcript NM_001277314.1, and corresponds to NM_001103184.3:c.-85505C>T in the primary transcript. This sequence change replaces serine, which is neutral and polar, with leucine, which is neutral and non-polar, at codon 509 of the FMN1 protein (p.Ser509Leu). This variant is present in population databases (rs201922335, gnomAD 0.1%), and has an allele count higher than expected for a pathogenic variant. This variant has not been reported in the literature in individuals affected with FMN1-related conditions. Experimental studies and prediction algorithms are not available or were not evaluated, and the functional significance of this variant is currently unknown. In summary, the available evidence is currently insufficient to determine the role of this variant in disease. Therefore, it has been classified as a Variant of Uncertain Significance.

NM_001277313.2(FMN1):c.1526C>T (p.Ser509Leu)

Gene: FMN1 (formin 1; minus strand). Cytogenetic location: 15q13.3.
Variant type: single nucleotide variant.
Coding change: c.1526C>T on transcript NM_001277313.2 (MANE Select); coding-DNA position 1526, C replaced by T.
Protein change: p.Ser509Leu; replaces serine 509 with leucine.
Molecular consequence: missense variant.
Genome position (GRCh38, 1-based): chr15:33,153,389, G>A on the plus strand (C>T on the coding strand, the complement: FMN1 is on the minus strand). VCF-style: chr15-33153389-G-A. GRCh37 (hg19) VCF-style: chr15-33445590-G-A.
Other names: c.1526C>T, p.Ser509Leu (NM_001277314.2); short protein forms S509L.
Identifiers: ClinVar variation 1506737 (VCV001506737.6), dbSNP rs201922335, ClinGen allele CA7457524.
Genomic context (GRCh38, chr15:33,153,389, plus strand): 5'-GGGAGCCTTGGAGACAGAGGCGAGGGAACAGGTGACGTCTGTTTGTGTGTGCTGGACTGC[G>A]AGGCTGAATTATTAAACACCTTGCCAAGAGCTGCCGGTGCTGGTGGGGATGGCTTCTTCT-3'
Protein context (NP_001264242.1, residues 499-519): ALGKVFNNSA[Ser509Leu]QSSTHKQTSP